The following is an entry in ClinVar:

NM_006227.4(PLTP):c.1244A>T (p.Lys415Met)

Gene: PLTP (phospholipid transfer protein; minus strand). Cytogenetic location: 20q13.12.
Variant type: single nucleotide variant.
Coding change: c.1244A>T on transcript NM_006227.4 (MANE Select); coding-DNA position 1244, A replaced by T.
Protein change: p.Lys415Met; replaces lysine 415 with methionine.
Molecular consequence: missense variant.
Genome position (GRCh38, 1-based): chr20:45,899,660, T>A on the plus strand (A>T on the coding strand, the complement: PLTP is on the minus strand). VCF-style: chr20-45899660-T-A. GRCh37 (hg19) VCF-style: chr20-44528299-T-A.
Other names: c.959A>T, p.Lys320Met (NM_001242920.2); c.980A>T, p.Lys327Met (NM_001242921.1); c.1088A>T, p.Lys363Met (NM_182676.3); short protein forms K327M, K320M, K363M, K415M.
Identifiers: ClinVar variation 2972044 (VCV002972044.3), dbSNP rs767960442, ClinGen allele CA9883528.
Genomic context (GRCh38, chr20:45,899,660, plus strand): 5'-CATCCTCACACCCCAGCCTTACCATTGAGCATGGGCATCACCCCAATCTGCAGCATGGTC[T>A]TCAGAGGGGCCTGTAATGGGATCAGCTGGGAGGGGCGAGGGCGGAAACAGGGCAGTGAGT-3'
Protein context (NP_006218.1, residues 405-425): LALIPLQAPL[Lys415Met]TMLQIGVMPM

ClinVar aggregate classification (germline): Uncertain significance (1 of 4 stars; one submission).

Allele frequency attached by ClinVar (database versions not stated): gnomAD 0.00001; TOPMed 0.00002; ExAC 0.00003; gnomAD exomes 0.00002.
gnomAD v4.1: 28 of 1,613,818 alleles (0.0017%); highest among the groups gnomAD compares: Non-Finnish European, 0.0022%; no homozygotes.

Submission:

Labcorp Genetics (formerly Invitae), Labcorp
Classification: Uncertain significance. Last evaluated: 2025-07-10. Review status: criteria provided, single submitter. Criteria: Invitae Variant Classification Sherloc (09022015). Collection method: clinical testing. Allele origin: germline.
Comment: This sequence change replaces lysine, which is basic and polar, with methionine, which is neutral and non-polar, at codon 415 of the PLTP protein (p.Lys415Met). This variant is present in population databases (rs767960442, gnomAD 0.009%). This variant has not been reported in the literature in individuals affected with PLTP-related conditions. ClinVar contains an entry for this variant (Variation ID: 2972044). An algorithm developed to predict the effect of missense changes on protein structure and function (PolyPhen-2) suggests that this variant is likely to be disruptive. In summary, the available evidence is currently insufficient to determine the role of this variant in disease. Therefore, it has been classified as a Variant of Uncertain Significance.